The following is an entry in ClinVar:

ClinVar aggregate classification (germline): Pathogenic (1 of 4 stars; one submission).

Conditions:
Deficiency of UDPglucose-hexose-1-phosphate uridylyltransferase. Also called: GALT deficiency; Galactosemia, classic; GALACTOSEMIA I; Transferase Deficiency Galactosemia; GALACTOSE-1-PHOSPHATE URIDYLYLTRANSFERASE DEFICIENCY. Identifiers: Orphanet 352, Orphanet 79239, MedGen C0268151, MONDO:0009258, OMIM 230400.

Allele frequency attached by ClinVar (database versions not stated): gnomAD 0.00001.

Submission:

Labcorp Genetics (formerly Invitae), Labcorp
Classification: Pathogenic for Deficiency of UDPglucose-hexose-1-phosphate uridylyltransferase. Last evaluated: 2022-10-08. Review status: criteria provided, single submitter. Criteria: Invitae Variant Classification Sherloc (09022015). Collection method: clinical testing. Allele origin: germline.
Comment: This sequence change creates a premature translational stop signal (p.Gln317*) in the GALT gene. It is expected to result in an absent or disrupted protein product. Loss-of-function variants in GALT are known to be pathogenic (PMID: 22944367). This variant is not present in population databases (gnomAD no frequency). This variant has not been reported in the literature in individuals affected with GALT-related conditions. For these reasons, this variant has been classified as Pathogenic.

Literature cited by the submitters: PubMed 22944367.

NM_000155.4(GALT):c.949C>T (p.Gln317Ter)

Gene: GALT (galactose-1-phosphate uridylyltransferase; plus strand). Cytogenetic location: 9p13.3.
Variant type: single nucleotide variant.
Coding change: c.949C>T on transcript NM_000155.4 (MANE Select); coding-DNA position 949, C replaced by T.
Protein change: p.Gln317Ter; replaces glutamine 317 with a stop codon.
Molecular consequence: nonsense.
Genome position (GRCh38, 1-based): chr9:34,649,454, C>T. VCF-style: chr9-34649454-C-T. GRCh37 (hg19) VCF-style: chr9-34649451-C-T.
Other names: c.622C>T, p.Gln208Ter (NM_001258332.2); short protein forms Q208*, Q317*.
Identifiers: ClinVar variation 2034664 (VCV002034664.4), dbSNP rs1821198172, ClinGen allele CA373284839.
Genomic context (GRCh38, chr9:34,649,454, plus strand): 5'-CTCTTCTTTCTGTCAGGGGCTCCCACAGGATCAGAGGCTGGGGCCAACTGGAACCATTGG[C>T]AGCTGCACGCTCATTACTACCCTCCGCTCCTGCGCTCTGCCACTGTCCGGAAATTCATGG-3'